The following is an entry in ClinVar:

NM_001365951.3(KIF1B):c.1300G>C (p.Ala434Pro)

Gene: KIF1B (kinesin family member 1B; plus strand). Cytogenetic location: 1p36.22.
Variant type: single nucleotide variant.
Coding change: c.1300G>C on transcript NM_001365951.3 (MANE Select); coding-DNA position 1300, G replaced by C.
Protein change: p.Ala434Pro; replaces alanine 434 with proline.
Molecular consequence: missense variant. On other transcripts: splice acceptor variant (3).
Genome position (GRCh38, 1-based): chr1:10,282,399, G>C. VCF-style: chr1-10282399-G-C. GRCh37 (hg19) VCF-style: chr1-10342457-G-C.
Other names: c.1300G>C, p.Ala434Pro (NM_001365952.1); c.1163-1G>C (NM_183416.4, NM_015074.3, NM_001365953.1); short protein forms A434P.
Identifiers: ClinVar variation 3534030 (VCV003534030.1).
Genomic context (GRCh38, chr1:10,282,399, plus strand): 5'-AACAATAAGCATAGATACTTGCTAGCCTCTGAGAATCAACGCCCTGGCCATTTTTCCACA[G>C]CATCCATGGGGTCCCTCACTTCATCCCCATCTTCCTGCTCACTCAGTAGTCAGGTGGGCT-3'
Protein context (NP_001352880.1, residues 424-444): ENQRPGHFST[Ala434Pro]SMGSLTSSPS

ClinVar aggregate classification (germline): Uncertain significance (1 of 4 stars; one submission).

Submission:

Ambry Genetics
Classification: Uncertain significance. Last evaluated: 2024-09-30. Review status: criteria provided, single submitter. Criteria: Ambry Variant Classification Scheme 2023. Collection method: clinical testing. Allele origin: germline.
Comment: The c.1163-1G>C intronic variant results from a G to C substitution one nucleotide before coding exon 12 of the KIF1B gene. This nucleotide position is highly conserved in available vertebrate species. In silico splice site analysis predicts that this alteration will weaken the native splice acceptor site. Alterations that disrupt the canonical splice site are expected to cause aberrant splicing, resulting in an abnormal protein or a transcript that is subject to nonsense-mediated mRNA decay. However, loss of function of KIF1B has not been established as a mechanism of disease. The evidence for this gene-disease relationship is limited; therefore, the clinical significance of this alteration is unclear.